The following is an entry in ClinVar:

ClinVar aggregate classification (germline): Likely pathogenic (1 of 4 stars; one submission).

Conditions:
Angelman syndrome-like. Identifiers: MedGen CN128785.
Developmental and epileptic encephalopathy, 2 (DEE2). Also called: INFANTILE SPASM SYNDROME, X-LINKED 2; CDKL5 deficiency disorder. Identifiers: Orphanet 1934, Orphanet 3451, Orphanet 505652, MedGen C4750718, MONDO:0010396, OMIM 300672.

Submission:

Labcorp Genetics (formerly Invitae), Labcorp
Classification: Likely pathogenic for Developmental and epileptic encephalopathy, 2; Angelman syndrome-like. Last evaluated: 2021-10-20. Review status: criteria provided, single submitter. Criteria: Invitae Variant Classification Sherloc (09022015). Collection method: clinical testing. Allele origin: germline.
Comment: This variant has been observed in individual(s) with clinical features of CDKL5-related conditions (Invitae). In at least one individual the variant was observed to be de novo. This variant, c.108_110del, is a complex sequence change that results in the deletion of 2 and insertion of 1 amino acid(s) in the CDKL5 protein (p.His36_Glu37delinsGln). This variant is not present in population databases (ExAC no frequency). In summary, the currently available evidence indicates that the variant is pathogenic, but additional data are needed to prove that conclusively. Therefore, this variant has been classified as Likely Pathogenic.

NM_001323289.2(CDKL5):c.108_110del (p.His36_Glu37delinsGln)

Gene: CDKL5 (cyclin dependent kinase like 5; plus strand). Cytogenetic location: Xp22.13.
Variant type: Deletion.
Coding change: c.108_110del on transcript NM_001323289.2 (MANE Select); coding-DNA positions 108 to 110, 3 bases deleted (TGA; older notation c.108_110delTGA).
Protein change: p.His36_Glu37delinsGln.
Molecular consequence: inframe indel.
Genome position (GRCh38, 1-based): chrX:18,564,485-18,564,487, TGA deleted; deleting any 3 consecutive bases within chrX:18,564,484-18,564,487 gives the same sequence; the c. name uses the placement nearest the transcript's 3' end. VCF-style (leftmost placement, unchanged base first): chrX-18564483-CATG-C. GRCh37 (hg19) VCF-style: chrX-18582603-CATG-C.
Other names: c.108_110del, p.His36_Glu37delinsGln (NM_001037343.2, NM_003159.3).
Identifiers: ClinVar variation 1472179 (VCV001472179.6), dbSNP rs2147132235, ClinGen allele CA2573158447.